The following is an entry in ClinVar:

ClinVar aggregate classification (germline): Uncertain significance. Review status: criteria provided, single submitter (1 of 4 stars). 2 submissions from 2 submitters: Uncertain significance (1). 1 of the submissions does not count toward it. Last evaluated 2021-08-26.

Conditions:
Cardiomyopathy (CMYO). Also called: Cardiomyopathies. Identifiers: Orphanet 167848, MedGen C0878544, MONDO:0004994, HP:0001638. Inheritance: Various modes of inheritance.
Duchenne muscular dystrophy (DMD). Also called: MUSCULAR DYSTROPHY, PSEUDOHYPERTROPHIC PROGRESSIVE, DUCHENNE TYPE; Duchenne Muscular Dystrophy (DMD). Identifiers: Orphanet 98896, MedGen C0013264, MONDO:0010679, OMIM 310200.
Becker muscular dystrophy (BMD). Also called: MUSCULAR DYSTROPHY, PSEUDOHYPERTROPHIC PROGRESSIVE, BECKER TYPE; Becker Muscular Dystrophy (BMD). Identifiers: Orphanet 98895, MedGen C0917713, MONDO:0010311, OMIM 300376.
Dystrophin deficiency.

Allele frequency attached by ClinVar (database versions not stated): TOPMed below 0.00001.

Submissions (2):

Labcorp Genetics (formerly Invitae), Labcorp
Classification: Uncertain significance for Duchenne muscular dystrophy. Last evaluated: 2021-08-26. Review status: criteria provided, single submitter. Criteria: Invitae Variant Classification Sherloc (09022015). Collection method: clinical testing. Allele origin: germline.
Comment: This sequence change replaces alanine with valine at codon 2601 of the DMD protein (p.Ala2601Val). The alanine residue is moderately conserved and there is a small physicochemical difference between alanine and valine. This variant is not present in population databases (ExAC no frequency). This variant has not been reported in the literature in individuals affected with DMD-related conditions. Algorithms developed to predict the effect of missense changes on protein structure and function output the following: SIFT: "Tolerated"; PolyPhen-2: "Possibly Damaging"; Align-GVGD: "Class C0". The valine amino acid residue is found in multiple mammalian species, which suggests that this missense change does not adversely affect protein function. In summary, the available evidence is currently insufficient to determine the role of this variant in disease. Therefore, it has been classified as a Variant of Uncertain Significance.

Natera, Inc.
Classification: Uncertain significance for Becker muscular dystrophy; Cardiomyopathy; Duchenne muscular dystrophy; Dystrophin deficiency. Last evaluated: 2021-06-29. Review status: no assertion criteria provided. Collection method: clinical testing. Allele origin: germline. Not counted in ClinVar's aggregate classification.

NM_004006.3(DMD):c.7802C>T (p.Ala2601Val)

Gene: DMD (dystrophin; minus strand). Cytogenetic location: Xp21.1.
Variant type: single nucleotide variant.
Coding change: c.7802C>T on transcript NM_004006.3 (MANE Select); coding-DNA position 7802, C replaced by T.
Protein change: p.Ala2601Val; replaces alanine 2601 with valine.
Molecular consequence: missense variant.
Genome position (GRCh38, 1-based): chrX:31,679,445, G>A on the plus strand (C>T on the coding strand, the complement: DMD is on the minus strand). VCF-style: chrX-31679445-G-A. GRCh37 (hg19) VCF-style: chrX-31697562-G-A.
Other names: c.7778C>T, p.Ala2593Val (NM_000109.4); c.7790C>T, p.Ala2597Val (NM_004009.3); c.7433C>T, p.Ala2478Val (NM_004010.3); c.3779C>T, p.Ala1260Val (NM_004011.4); c.3770C>T, p.Ala1257Val (NM_004012.4); c.422C>T, p.Ala141Val (NM_004013.3, NM_004020.4, NM_004021.3 and 2 more transcripts); short protein forms A2601V, A1257V, A2478V, A1260V, A2593V, A141V, A2597V.
Identifiers: ClinVar variation 581311 (VCV000581311.7), dbSNP rs892657975, ClinGen allele CA328462481.
Genomic context (GRCh38, chrX:31,679,445, plus strand): 5'-GTGATTTTCTTTTGGATTGCATCTACTGTATAGGGACCCTCCTTCCATGACTCAAGCTTG[G>A]CTCTGGCCTGTCCTAAGACCTGCTCAGCTTCTTCCTTAGCTTCCAGCCATTGTGTTGAAT-3'
Protein context (NP_003997.2, residues 2591-2611): EAEQVLGQAR[Ala2601Val]KLESWKEGPY